The following is an entry in ClinVar:

NM_001040142.2(SCN2A):c.4255G>T (p.Ala1419Ser)

Gene: SCN2A (sodium voltage-gated channel alpha subunit 2; plus strand). Cytogenetic location: 2q24.3.
Variant type: single nucleotide variant.
Coding change: c.4255G>T on transcript NM_001040142.2 (MANE Select); coding-DNA position 4255, G replaced by T.
Protein change: p.Ala1419Ser; replaces alanine 1419 with serine.
Molecular consequence: missense variant.
Genome position (GRCh38, 1-based): chr2:165,377,597, G>T. VCF-style: chr2-165377597-G-T. GRCh37 (hg19) VCF-style: chr2-166234107-G-T.
Other names: c.4255G>T, p.Ala1419Ser (NM_001040143.2, NM_001371246.1, NM_001371247.1 and 1 more transcripts); short protein forms A1419S.
Identifiers: ClinVar variation 2947651 (VCV002947651.3), dbSNP rs2468113961, ClinGen allele CA349032876.

ClinVar aggregate classification (germline): Uncertain significance (1 of 4 stars; one submission).

Conditions:
Seizures, benign familial infantile, 3 (BFIS3). Also called: CONVULSIONS, BENIGN FAMILIAL INFANTILE, 3; Familial neonatal seizures. Identifiers: Orphanet 140927, Orphanet 306, MedGen C1843140, MONDO:0011904, OMIM 607745.
Developmental and epileptic encephalopathy, 11 (DEE11). Also called: Early infantile epileptic encephalopathy 11. Identifiers: Orphanet 1934, MedGen C3150987, MONDO:0013388, OMIM 613721.

Submission:

Labcorp Genetics (formerly Invitae), Labcorp
Classification: Uncertain significance for Seizures, benign familial infantile, 3; Developmental and epileptic encephalopathy, 11. Last evaluated: 2023-05-11. Review status: criteria provided, single submitter. Criteria: Invitae Variant Classification Sherloc (09022015). Collection method: clinical testing. Allele origin: germline.
Comment: This variant has not been reported in the literature in individuals affected with SCN2A-related conditions. This sequence change replaces alanine, which is neutral and non-polar, with serine, which is neutral and polar, at codon 1419 of the SCN2A protein (p.Ala1419Ser). This variant is not present in population databases (gnomAD no frequency). An algorithm developed to predict the effect of missense changes on protein structure and function (PolyPhen-2) suggests that this variant is likely to be disruptive. Algorithms developed to predict the effect of sequence changes on RNA splicing suggest that this variant may disrupt the consensus splice site. In summary, the available evidence is currently insufficient to determine the role of this variant in disease. Therefore, it has been classified as a Variant of Uncertain Significance.